The following is an entry in ClinVar:

ClinVar aggregate classification (germline): Pathogenic (1 of 4 stars; one submission).

Submission:

Labcorp Genetics (formerly Invitae), Labcorp
Classification: Pathogenic. Last evaluated: 2022-08-25. Review status: criteria provided, single submitter. Criteria: Invitae Variant Classification Sherloc (09022015). Collection method: clinical testing. Allele origin: germline.
Comment: This sequence change creates a premature translational stop signal (p.Glu1726Lysfs*23) in the EYS gene. It is expected to result in an absent or disrupted protein product. Loss-of-function variants in EYS are known to be pathogenic (PMID: 18836446, 20333770). For these reasons, this variant has been classified as Pathogenic. This variant has not been reported in the literature in individuals affected with EYS-related conditions. This variant is not present in population databases (gnomAD no frequency).

Literature cited by the submitters: PubMed 18836446; PubMed 20333770.

NM_001142800.2(EYS):c.5176del (p.Glu1726fs)

Gene: EYS (EGF-like photoreceptor maintenance factor; minus strand). Cytogenetic location: 6q12.
Variant type: Deletion.
Coding change: c.5176del on transcript NM_001142800.2 (MANE Select); coding-DNA position 5176, one base deleted (G; older notation c.5176delG).
Protein change: p.Glu1726fs; shifts the reading frame from glutamic acid 1726.
Molecular consequence: frameshift variant.
Genome position (GRCh38, 1-based): chr6:64,590,691, C deleted on the plus strand (G on the coding strand, the reverse complement: EYS is on the minus strand); the first of 2 consecutive C bases (chr6:64,590,691-64,590,692); deleting either gives the same sequence. VCF-style (leftmost placement, unchanged base first): chr6-64590690-TC-T. GRCh37 (hg19) VCF-style: chr6-65300583-TC-T.
Other names: c.5176del, p.Glu1726fs (NM_001292009.2); short protein forms E1726fs.
Identifiers: ClinVar variation 2027082 (VCV002027082.4), dbSNP rs2533150447, ClinGen allele CA2580075867.